The following is an entry in ClinVar:

ClinVar aggregate classification (germline): Uncertain significance (1 of 4 stars; one submission).

Conditions:
Haim-Munk syndrome (HMS). Also called: COCHIN JEWISH DISORDER; KERATOSIS PALMOPLANTARIS WITH PERIODONTOPATHIA AND ONYCHOGRYPOSIS. Identifiers: Orphanet 2342, MedGen C1855627, MONDO:0009491, OMIM 245010.
Periodontitis, aggressive. Identifiers: MedGen C0031106, MONDO:0980757.
Papillon-Lefèvre syndrome (PALS). Also called: Papillon-Lefevre Disease; KERATOSIS PALMOPLANTARIS WITH PERIODONTOPATHIA. Identifiers: Orphanet 678, MedGen C0030360, MONDO:0009490, OMIM 245000.

Submission:

Labcorp Genetics (formerly Invitae), Labcorp
Classification: Uncertain significance for Haim-Munk syndrome; Periodontitis, aggressive; Papillon-Lefèvre syndrome. Last evaluated: 2019-10-02. Review status: criteria provided, single submitter. Criteria: Invitae Variant Classification Sherloc (09022015). Collection method: clinical testing. Allele origin: germline.
Comment: This sequence change replaces cysteine with serine at codon 291 of the CTSC protein (p.Cys291Ser). The cystein residue is highly conserved and there is a moderate physicochemical difference between cysteine and serine. This variant is not present in population databases (ExAC no frequency). In summary, the available evidence is currently insufficient to determine the role of this variant in disease. Therefore, it has been classified as a Variant of Uncertain Significance. Algorithms developed to predict the effect of missense changes on protein structure and function are either unavailable or do not agree on the potential impact of this missense change (SIFT: "Deleterious"; PolyPhen-2: "Probably Damaging"; Align-GVGD: "Class C0"). This variant has not been reported in the literature in individuals with CTSC-related conditions.

NM_001814.6(CTSC):c.872G>C (p.Cys291Ser)

Gene: CTSC (cathepsin C; minus strand). Cytogenetic location: 11q14.2.
Variant type: single nucleotide variant.
Coding change: c.872G>C on transcript NM_001814.6 (MANE Select); coding-DNA position 872, G replaced by C.
Protein change: p.Cys291Ser; replaces cysteine 291 with serine.
Molecular consequence: missense variant.
Genome position (GRCh38, 1-based): chr11:88,296,150, C>G on the plus strand (G>C on the coding strand, the complement: CTSC is on the minus strand). VCF-style: chr11-88296150-C-G. GRCh37 (hg19) VCF-style: chr11-88029318-C-G.
Other names: short protein forms C291S.
Identifiers: ClinVar variation 942336 (VCV000942336.8), dbSNP rs748729285, ClinGen allele CA382022396.